The following is an entry in ClinVar:

NM_015450.3(POT1):c.796C>T (p.His266Tyr)

Gene: POT1 (protection of telomeres 1; minus strand). Cytogenetic location: 7q31.33.
Variant type: single nucleotide variant.
Coding change: c.796C>T on transcript NM_015450.3 (MANE Select); coding-DNA position 796, C replaced by T.
Protein change: p.His266Tyr; replaces histidine 266 with tyrosine.
Molecular consequence: missense variant. On other transcripts: non-coding transcript variant (3).
Genome position (GRCh38, 1-based): chr7:124,853,045, G>A on the plus strand (C>T on the coding strand, the complement: POT1 is on the minus strand). VCF-style: chr7-124853045-G-A. GRCh37 (hg19) VCF-style: chr7-124493099-G-A.
Other names: c.403C>T, p.His135Tyr (NM_001042594.2); c.796C>T (NM_015450.2); short protein forms H266Y, H135Y.
Identifiers: ClinVar variation 2744906 (VCV002744906.5), dbSNP rs2116504827, ClinGen allele CA369055422.

ClinVar aggregate classification (germline): Conflicting classifications of pathogenicity. Review status: criteria provided, conflicting classifications (1 of 4 stars). 3 submissions from 3 submitters: Pathogenic (1); Uncertain significance (2). Last evaluated 2025-12-23.

Conditions:
Long telomere syndrome.
Tumor predisposition syndrome 3 (TPDS3). Also called: Glioma susceptibility 9; Melanoma, cutaneous malignant, susceptibility to, 10; LONG TELOMERE SYNDROME, POT1-RELATED; POT1 Tumor Predisposition. Identifiers: Orphanet 618, MedGen C4014476, MONDO:0014368, OMIM 615848.

Submissions (3):

The Telomere Center at Johns Hopkins, Johns Hopkins University School of Medicine
Classification: Pathogenic for Long Telomere Syndrome. Last evaluated: 2025-12-23. Review status: criteria provided, single submitter. Criteria: Davidson-Swinton et al. (Blood. 2026). Collection method: clinical testing. Allele origin: germline. Affected: yes.

GeneDx
Classification: Uncertain significance. Last evaluated: 2025-06-27. Review status: criteria provided, single submitter. Criteria: GeneDx Variant Classification Process June 2021. Collection method: clinical testing. Allele origin: germline. Affected: yes.
Comment: Not observed at significant frequency in large population cohorts (gnomAD); In silico analysis supports that this missense variant has a deleterious effect on protein structure/function; Has not been previously published as pathogenic or benign to our knowledge; This variant is associated with the following publications: (PMID: 28393830)

Labcorp Genetics (formerly Invitae), Labcorp
Classification: Uncertain significance for Tumor predisposition syndrome 3. Last evaluated: 2023-07-19. Review status: criteria provided, single submitter. Criteria: Invitae Variant Classification Sherloc (09022015). Collection method: clinical testing. Allele origin: germline.
Comment: In summary, the available evidence is currently insufficient to determine the role of this variant in disease. Therefore, it has been classified as a Variant of Uncertain Significance. Advanced modeling of protein sequence and biophysical properties (such as structural, functional, and spatial information, amino acid conservation, physicochemical variation, residue mobility, and thermodynamic stability) performed at Invitae indicates that this missense variant is not expected to disrupt POT1 protein function. This variant has not been reported in the literature in individuals affected with POT1-related conditions. This variant is not present in population databases (gnomAD no frequency). This sequence change replaces histidine, which is basic and polar, with tyrosine, which is neutral and polar, at codon 266 of the POT1 protein (p.His266Tyr).